The following is an entry in ClinVar:

ClinVar aggregate classification (germline): Uncertain significance (1 of 4 stars; one submission).

Conditions:
Inborn genetic diseases. Identifiers: MedGen C0950123, MeSH D030342.

Submission:

Ambry Genetics
Classification: Uncertain significance for Inborn genetic diseases. Last evaluated: 2026-05-10. Review status: criteria provided, single submitter. Criteria: Ambry Variant Classification Scheme 2023. Collection method: clinical testing. Allele origin: germline.
Comment: The c.4177C>T (p.P1393S) alteration is located in exon 45 (coding exon 45) of the COL27A1 gene. This alteration results from a C to T substitution at nucleotide position 4177, causing the proline (P) at amino acid position 1393 to be replaced by a serine (S). Based on data from gnomAD, the T allele has an overall frequency of <0.001% (1/215100) total alleles studied. The highest observed frequency was 0.008% (1/12988) of African alleles. Based on insufficient or conflicting evidence, the clinical significance of this alteration remains unclear.

NM_032888.4(COL27A1):c.4177C>T (p.Pro1393Ser)

Genes: COL27A1 (collagen type XXVII alpha 1 chain; plus strand), LOC126860736 (MED14-independent group 3 enhancer GRCh37_chr9:117050487-117051686; plus strand). Cytogenetic location: 9q32.
Variant type: single nucleotide variant.
Coding change: c.4177C>T on transcript NM_032888.4 (MANE Select); coding-DNA position 4177, C replaced by T.
Protein change: p.Pro1393Ser; replaces proline 1393 with serine.
Molecular consequence: missense variant.
Genome position (GRCh38, 1-based): chr9:114,289,266, C>T. VCF-style: chr9-114289266-C-T. GRCh37 (hg19) VCF-style: chr9-117051546-C-T.
Other names: short protein forms P1393S.
Identifiers: ClinVar variation 4869152 (VCV004869152.1).